The following is an entry in ClinVar:

NM_020738.4(KIDINS220):c.3899del (p.Pro1300fs)

Gene: KIDINS220 (kinase D interacting substrate 220; minus strand). Cytogenetic location: 2p25.1.
Variant type: Deletion.
Coding change: c.3899del on transcript NM_020738.4 (MANE Select); coding-DNA position 3899, one base deleted (C; older notation c.3899delC).
Protein change: p.Pro1300fs; shifts the reading frame from proline 1300.
Molecular consequence: frameshift variant. On other transcripts: non-coding transcript variant (2).
Genome position (GRCh38, 1-based): chr2:8,733,598, G deleted on the plus strand (C on the coding strand, the reverse complement: KIDINS220 is on the minus strand); the first of 4 consecutive G bases (chr2:8,733,598-8,733,601); deleting any one gives the same sequence. VCF-style (leftmost placement, unchanged base first): chr2-8733597-CG-C. GRCh37 (hg19) VCF-style: chr2-8873727-CG-C.
Other names: c.3902del, p.Pro1301fs (NM_001348729.2); c.3845del, p.Pro1282fs (NM_001348731.2); c.3842del, p.Pro1281fs (NM_001348732.2, NM_001348738.2); c.3731del, p.Pro1244fs (NM_001348734.2, NM_001348739.2, NM_001348740.2); c.3728del, p.Pro1243fs (NM_001348735.2, NM_001348741.2, NM_001348742.2 and 1 more transcripts); c.3602del, p.Pro1201fs (NM_001348736.2); short protein forms P1201fs, P1243fs, P1244fs, P1281fs, P1282fs, P1300fs, P1301fs.
Identifiers: ClinVar variation 3349692 (VCV003349692.1).
Genomic context (GRCh38, chr2:8,733,597, plus strand): 5'-GCTGGAGAGCTCGGTGTGAGGCAGCTCGTTGTGGGAAGCGCGGCGAGCAGGCTCACCGTG[CG>C]GGGCTGGGCCACTGCTGCTCTCACTGAGGAAACGTGGGTCTTCAGGGACCACGTGGCTTT-3'

ClinVar aggregate classification (germline): Likely pathogenic (0 of 4 stars; one submission).

Conditions:
KIDINS220-related disorder. Also called: KIDINS220-related condition.

Submission:

PreventionGenetics, part of Exact Sciences
Classification: Likely pathogenic for KIDINS220-related condition. Last evaluated: 2024-03-21. Review status: no assertion criteria provided. Collection method: clinical testing. Allele origin: germline.
Comment: The KIDINS220 c.3899delC variant is predicted to result in a frameshift and premature protein termination (p.Pro1300Argfs*34). To our knowledge, this variant has not been reported in the literature or in a large population database, indicating this variant is rare. Frameshift variants in KIDINS220 are expected to be pathogenic. This variant is interpreted as likely pathogenic. This variant is located in exon 29 of 30, and therefore is expected to be pathogenic for autosomal dominant and recessive KIDINS220 associated disorders.